The following is an entry in ClinVar:

NM_001003694.2(BRPF1):c.704_705del (p.Glu235fs)

Gene: BRPF1 (bromodomain and PHD finger containing 1; plus strand). Cytogenetic location: 3p25.3.
Variant type: Microsatellite.
Coding change: c.704_705del on transcript NM_001003694.2 (MANE Select); coding-DNA positions 704 to 705, 2 bases deleted (AG; older notation c.704_705delAG).
Protein change: p.Glu235fs; shifts the reading frame from glutamic acid 235.
Molecular consequence: frameshift variant. On other transcripts: non-coding transcript variant (1).
Genome position (GRCh38, 1-based): chr3:9,739,103-9,739,104, AG deleted; deleting any 2 consecutive bases within chr3:9,739,101-9,739,104 gives the same sequence; the c. name uses the placement nearest the transcript's 3' end. VCF-style (leftmost placement, unchanged base first): chr3-9739100-CAG-C. GRCh37 (hg19) VCF-style: chr3-9780784-CAG-C.
Other names: c.704_705del, p.Glu235fs (NM_001319049.2, NM_001319050.2, NM_004634.3); c.704_705del (NM_001003694.1); short protein forms E235fs.
Identifiers: ClinVar variation 872479 (VCV000872479.42), dbSNP rs2076988126, ClinGen allele CA1139657879.

ClinVar aggregate classification (germline): Pathogenic/Likely pathogenic. Review status: criteria provided, multiple submitters, no conflicts (2 of 4 stars). 2 submissions from 2 submitters: Pathogenic (1); Likely pathogenic (1). Last evaluated 2025-04-01.

Submissions (2):

GeneDx
Classification: Pathogenic. Last evaluated: 2025-04-01. Review status: criteria provided, single submitter. Criteria: GeneDx Variant Classification Process June 2021. Collection method: clinical testing. Allele origin: germline. Affected: yes.
Comment: Frameshift variant predicted to result in protein truncation or nonsense mediated decay in a gene for which loss of function is a known mechanism of disease; Not observed at significant frequency in large population cohorts (gnomAD); Has not been previously published as pathogenic or benign to our knowledge

CeGaT Center for Human Genetics Tuebingen
Classification: Likely pathogenic. Last evaluated: 2019-12-01. Review status: criteria provided, single submitter. Criteria: CeGaT Center For Human Genetics Tuebingen Variant Classification Criteria Version 2. Collection method: clinical testing. Allele origin: germline. Affected: yes. Observed: 1 variant allele.